The following is an entry in ClinVar:

NM_002103.5(GYS1):c.1192_1193insCAAGG (p.Glu398fs)

Gene: GYS1 (glycogen synthase 1; minus strand). Cytogenetic location: 19q13.33.
Variant type: Insertion.
Coding change: c.1192_1193insCAAGG on transcript NM_002103.5 (MANE Select); coding-DNA positions 1192 to 1193, CAAGG inserted.
Protein change: p.Glu398fs; shifts the reading frame from glutamic acid 398.
Molecular consequence: frameshift variant. On other transcripts: non-coding transcript variant (1).
Genome position: GRCh38 VCF-style: chr19-48978134-T-TCCTTG. GRCh37 (hg19) VCF-style: chr19-49481391-T-TCCTTG.
Other names: c.1000_1001insCAAGG, p.Glu334fs (NM_001161587.2); short protein forms E398fs, E334fs.
Identifiers: ClinVar variation 2705242 (VCV002705242.3), dbSNP rs2513716650, ClinGen allele CA2697556648.

ClinVar aggregate classification (germline): Pathogenic (1 of 4 stars; one submission).

Conditions:
Glycogen storage disease due to muscle and heart glycogen synthase deficiency. Also called: GSD 0b; MUSCLE GLYCOGEN SYNTHASE DEFICIENCY. Identifiers: Orphanet 137625, MedGen C1969054, MONDO:0012693, OMIM 611556.

Submission:

Labcorp Genetics (formerly Invitae), Labcorp
Classification: Pathogenic for Glycogen storage disease due to muscle and heart glycogen synthase deficiency. Last evaluated: 2023-05-23. Review status: criteria provided, single submitter. Criteria: Invitae Variant Classification Sherloc (09022015). Collection method: clinical testing. Allele origin: germline.
Comment: This sequence change creates a premature translational stop signal (p.Glu398Alafs*21) in the GYS1 gene. It is expected to result in an absent or disrupted protein product. Loss-of-function variants in GYS1 are known to be pathogenic (PMID: 17928598, 19699667). This variant is not present in population databases (gnomAD no frequency). This variant has not been reported in the literature in individuals affected with GYS1-related conditions. For these reasons, this variant has been classified as Pathogenic.

Literature cited by the submitters: PubMed 17928598; PubMed 19699667.